The following is an entry in ClinVar:

ClinVar aggregate classification (germline): Uncertain significance (1 of 4 stars; one submission).

Submission:

Labcorp Genetics (formerly Invitae), Labcorp
Classification: Uncertain significance. Last evaluated: 2021-12-02. Review status: criteria provided, single submitter. Criteria: Invitae Variant Classification Sherloc (09022015). Collection method: clinical testing. Allele origin: germline.
Comment: This sequence change replaces glutamic acid with arginine at codon 1097 of the TBCD protein (p.Glu1097Arg). The glutamic acid residue is weakly conserved and there is a small physicochemical difference between glutamic acid and arginine. This variant is present in population databases (no rsID available, gnomAD 0.6%). This variant has not been reported in the literature in individuals affected with TBCD-related conditions. Algorithms developed to predict the effect of missense changes on protein structure and function are either unavailable or do not agree on the potential impact of this missense change (SIFT: "Not Available"; PolyPhen-2: "Benign"; Align-GVGD: "Not Available"). In summary, the available evidence is currently insufficient to determine the role of this variant in disease. Therefore, it has been classified as a Variant of Uncertain Significance.

NM_005993.5(TBCD):c.3289_3290delinsAG (p.Glu1097Arg)

Gene: TBCD (tubulin folding cofactor D). Cytogenetic location: 17q25.3.
Variant type: Indel.
Coding change: c.3289_3290delinsAG on transcript NM_005993.5 (MANE Select); coding-DNA positions 3289 to 3290, the reference bases replaced by AG.
Protein change: p.Glu1097Arg; replaces glutamic acid 1097 with arginine.
Molecular consequence: missense variant.
Genome position: GRCh38 VCF-style: chr17-82938056-GA-AG. GRCh37 (hg19) VCF-style: chr17-80895932-GA-AG.
Other names: short protein forms E1097R.
Identifiers: ClinVar variation 1495812 (VCV001495812.3), dbSNP rs2147505872, ClinGen allele CA2573155119.
Genomic context (GRCh38, chr17:82,938,056, plus strand): 5'-GGTTGGCCTGCGCGGGGTGGGGCTCACCTGGAGCCATGTGCTGCTCCCGGCAGGTTCTGC[GA>AG]GATGGTGCAGTTCCCCGGCGACGTGAGGAGGCAGGCCCTCCTGCAGCTGTGTCTGCTCCT-3'
Protein context (NP_005984.3, residues 1087-1107): KLLSGIAVFC[Glu1097Arg]MVQFPGDVRR